The following is an entry in ClinVar:

ClinVar aggregate classification (germline): Uncertain significance (1 of 4 stars; one submission).

Conditions:
Neuronal ceroid lipofuscinosis. Also called: Neuronal Ceroid Lipofuscinoses. Identifiers: Orphanet 216, Orphanet 79263, MedGen C0027877, MONDO:0016295. Disease mechanism: loss of function.

gnomAD v4.1: 2 of 1,613,858 alleles (0.00012%); highest among the groups gnomAD compares: Admixed American, 0.0017%; no homozygotes.

Submission:

Labcorp Genetics (formerly Invitae), Labcorp
Classification: Uncertain significance for Neuronal ceroid lipofuscinosis. Last evaluated: 2021-08-27. Review status: criteria provided, single submitter. Criteria: Invitae Variant Classification Sherloc (09022015). Collection method: clinical testing. Allele origin: germline.
Comment: This sequence change replaces glutamic acid with glutamine at codon 64 of the CTSD protein (p.Glu64Gln). The glutamic acid residue is weakly conserved and there is a small physicochemical difference between glutamic acid and glutamine. This variant is not present in population databases (ExAC no frequency). This variant has not been reported in the literature in individuals affected with CTSD-related conditions. Algorithms developed to predict the effect of missense changes on protein structure and function output the following: SIFT: "Tolerated"; PolyPhen-2: "Benign"; Align-GVGD: "Class C0". The glutamine amino acid residue is found in multiple mammalian species, which suggests that this missense change does not adversely affect protein function. In summary, the available evidence is currently insufficient to determine the role of this variant in disease. Therefore, it has been classified as a Variant of Uncertain Significance.

NM_001909.5(CTSD):c.190G>C (p.Glu64Gln)

Genes: CTSD (cathepsin D; minus strand), PRADX (PRC2 and DDX5 associated lncRNA; plus strand). Cytogenetic location: 11p15.5.
Variant type: single nucleotide variant.
Coding change: c.190G>C on transcript NM_001909.5 (MANE Select); coding-DNA position 190, G replaced by C.
Protein change: p.Glu64Gln; replaces glutamic acid 64 with glutamine.
Molecular consequence: missense variant.
Genome position (GRCh38, 1-based): chr11:1,761,347, C>G on the plus strand (G>C on the coding strand, the complement: CTSD is on the minus strand). VCF-style: chr11-1761347-C-G. GRCh37 (hg19) VCF-style: chr11-1782577-C-G.
Other names: short protein forms E64Q.
Identifiers: ClinVar variation 842834 (VCV000842834.7), dbSNP rs539823013, ClinGen allele CA379099503.